The following is an entry in ClinVar:

ClinVar aggregate classification (germline): Uncertain significance. Review status: criteria provided, multiple submitters, no conflicts (2 of 4 stars). 7 submissions from 7 submitters: Uncertain significance (6). 1 of the submissions does not count toward it. Last evaluated 2024-01-23.

Conditions:
Inborn genetic diseases. Identifiers: MedGen C0950123, MeSH D030342.
Neuronal ceroid lipofuscinosis. Also called: Neuronal Ceroid Lipofuscinoses. Identifiers: Orphanet 216, Orphanet 79263, MedGen C0027877, MONDO:0016295. Disease mechanism: loss of function.
Neuronal ceroid lipofuscinosis 3 (CLN3). Identifiers: Orphanet 228346, MedGen C0751383, MONDO:0008767, OMIM 204200.

Allele frequency attached by ClinVar (database versions not stated): ExAC 0.00001; gnomAD exomes 0.00003; gnomAD 0.00009 and 0.00011; TOPMed 0.00022.
gnomAD v4.1: 44 of 1,614,006 alleles (0.0027%); highest among the groups gnomAD compares: Admixed American, 0.045%; no homozygotes.

Submissions (7):

Ambry Genetics
Classification: Uncertain significance for Inborn genetic diseases. Last evaluated: 2024-01-23. Review status: criteria provided, single submitter. Criteria: Ambry Variant Classification Scheme 2023. Collection method: clinical testing. Allele origin: germline.

Labcorp Genetics (formerly Invitae), Labcorp
Classification: Uncertain significance for Neuronal ceroid lipofuscinosis. Last evaluated: 2022-09-13. Review status: criteria provided, single submitter. Criteria: Invitae Variant Classification Sherloc (09022015). Collection method: clinical testing. Allele origin: germline.
Comment: This sequence change replaces glutamic acid, which is acidic and polar, with lysine, which is basic and polar, at codon 17 of the CLN3 protein (p.Glu17Lys). This variant is present in population databases (rs386833726, gnomAD 0.02%). This variant has not been reported in the literature in individuals affected with CLN3-related conditions. ClinVar contains an entry for this variant (Variation ID: 205097). Algorithms developed to predict the effect of missense changes on protein structure and function are either unavailable or do not agree on the potential impact of this missense change (SIFT: "Tolerated"; PolyPhen-2: "Possibly Damaging"; Align-GVGD: "Class C0"). Algorithms developed to predict the effect of sequence changes on RNA splicing suggest that this variant may create or strengthen a splice site. In summary, the available evidence is currently insufficient to determine the role of this variant in disease. Therefore, it has been classified as a Variant of Uncertain Significance.

Blueprint Genetics
Classification: Uncertain significance. Last evaluated: 2022-08-22. Review status: criteria provided, single submitter. Criteria: ACMG Guidelines, 2015. Collection method: clinical testing. Allele origin: germline.

GeneDx
Classification: Uncertain significance. Last evaluated: 2022-02-16. Review status: criteria provided, single submitter. Criteria: GeneDx Variant Classification Process June 2021. Collection method: clinical testing. Allele origin: germline. Affected: yes.
Comment: In silico analysis supports that this missense variant does not alter protein structure/function; Has not been previously published as pathogenic or benign to our knowledge

Genome-Nilou Lab
Classification: Uncertain significance for Neuronal ceroid lipofuscinosis 3. Last evaluated: 2021-09-05. Review status: criteria provided, single submitter. Criteria: ACMG Guidelines, 2015. Collection method: clinical testing. Allele origin: germline. Affected: no.

Breakthrough Genomics
Classification: Uncertain significance. Review status: criteria provided, single submitter. Criteria: ACMG Guidelines, 2015. Collection method: not provided. Allele origin: germline. Inheritance: Autosomal recessive inheritance. Affected: yes.

Natera, Inc.
Classification: Uncertain significance for Neuronal ceroid lipofuscinosis. Last evaluated: 2020-04-24. Review status: no assertion criteria provided. Collection method: clinical testing. Allele origin: germline. Not counted in ClinVar's aggregate classification.

NM_001042432.2(CLN3):c.49G>A (p.Glu17Lys)

Gene: CLN3 (CLN3 lysosomal/endosomal transmembrane protein, battenin; minus strand). Cytogenetic location: 16p12.1.
Variant type: single nucleotide variant.
Coding change: c.49G>A on transcript NM_001042432.2 (MANE Select); coding-DNA position 49, G replaced by A.
Protein change: p.Glu17Lys; replaces glutamic acid 17 with lysine.
Molecular consequence: missense variant. On other transcripts: intron variant (3).
Genome position (GRCh38, 1-based): chr16:28,491,558, C>T on the plus strand (G>A on the coding strand, the complement: CLN3 is on the minus strand). VCF-style: chr16-28491558-C-T. GRCh37 (hg19) VCF-style: chr16-28502879-C-T.
Other names: c.49G>A, p.Glu17Lys (NM_000086.2, NM_001286104.2); c.-38+156G>A (NM_001286109.2, NM_001286110.2); c.-96+156G>A (NM_001286105.2); short protein forms E17K.
Identifiers: ClinVar variation 205097 (VCV000205097.16), dbSNP rs386833726, ClinGen allele CA313732.